The following is an entry in ClinVar:

ClinVar aggregate classification (germline): Conflicting classifications of pathogenicity. Review status: criteria provided, conflicting classifications (1 of 4 stars). 3 submissions from 3 submitters: Likely pathogenic (2); Uncertain significance (1). Last evaluated 2025-06-24.

Conditions:
Morquio syndrome. Also called: Mucopolysaccharidosis, Type IV; MPS IV; Mucopolysaccharidosis type 4; Eccentrochondrodysplasia. Identifiers: Orphanet 582, MedGen C0026707, MONDO:0018938.
Mucopolysaccharidosis, MPS-IV-A (MPS4A). Also called: Mucopolysaccharidosis type IV A; Mucopolysaccharidosis Type IVA; Morquio syndrome A, mild; MORQUIO SYNDROME A; MPS IVA; mucopolysaccharidosis type 4A. Identifiers: Orphanet 309297, Orphanet 582, MedGen C0086651, MONDO:0009659, OMIM 253000.

Allele frequency attached by ClinVar (database versions not stated): 1000 Genomes Project 30x 0.00016.
gnomAD v4.1: 1 of 1,582,322 alleles (0.000063%); highest among the groups gnomAD compares: South Asian, 0.0011%; no homozygotes.

Submissions (3):

Women's Health and Genetics/Laboratory Corporation of America, LabCorp
Classification: Likely pathogenic for Morquio syndrome. Last evaluated: 2025-06-24. Review status: criteria provided, single submitter. Criteria: LabCorp Variant Classification Summary - May 2015. Collection method: clinical testing. Allele origin: germline.
Comment: Variant summary: GALNS c.1450C>T (p.Pro484Ser) results in a non-conservative amino acid change in the encoded protein sequence. Algorithms developed to predict the effect of missense changes on protein structure and function all suggest that this variant is likely to be disruptive. The frequency data for this variant in gnomAD is considered unreliable, as metrics indicate poor data quality at this position. c.1450C>T has been observed in individual(s) affected with Mucopolysaccharidosis Type IVA (Morquio Syndrome A) (example: Tomatsu_2005, Internal data). These data indicate that the variant may be associated with disease. At least one publication reports experimental evidence evaluating an impact on protein function. The most pronounced variant effect results in 10.1% residual activity of the WT (Montano_2007). The following publications have been ascertained in the context of this evaluation (PMID: 17876718, 16287098). ClinVar contains an entry for this variant (Variation ID: 1048241). Based on the evidence outlined above, the variant was classified as likely pathogenic.

Labcorp Genetics (formerly Invitae), Labcorp
Classification: Likely pathogenic for Mucopolysaccharidosis, MPS-IV-A. Last evaluated: 2023-06-16. Review status: criteria provided, single submitter. Criteria: Invitae Variant Classification Sherloc (09022015). Collection method: clinical testing. Allele origin: germline.
Comment: This sequence change replaces proline, which is neutral and non-polar, with serine, which is neutral and polar, at codon 484 of the GALNS protein (p.Pro484Ser). This variant is not present in population databases (gnomAD no frequency). This missense change has been observed in individual(s) with clinical features of mucopolysaccharidosis type IVA (PMID: 16287098; Invitae). In at least one individual the data is consistent with being in trans (on the opposite chromosome) from a pathogenic variant. ClinVar contains an entry for this variant (Variation ID: 1048241). Advanced modeling of protein sequence and biophysical properties (such as structural, functional, and spatial information, amino acid conservation, physicochemical variation, residue mobility, and thermodynamic stability) performed at Invitae indicates that this missense variant is expected to disrupt GALNS protein function. Experimental studies have shown that this missense change affects GALNS function (PMID: 17876718). This variant disrupts the p.Pro484 amino acid residue in GALNS. Other variant(s) that disrupt this residue have been observed in individuals with GALNS-related conditions (PMID: 30138938), which suggests that this may be a clinically significant amino acid residue. In summary, the currently available evidence indicates that the variant is pathogenic, but additional data are needed to prove that conclusively. Therefore, this variant has been classified as Likely Pathogenic.

Laboratory of Diagnosis and Therapy of Lysosomal Disorders, University of Padova
Classification: Uncertain significance for Mucopolysaccharidosis, MPS-IV-A. Last evaluated: 2021-02-01. Review status: criteria provided, single submitter. Criteria: ACMG Guidelines, 2015. Collection method: curation. Allele origin: germline. Affected: yes.
Comment: Absent from gnomAD v2.1.1 (PM2_moderate); multiple lines of computational evidence support a deleterious effect on the gene (PP3_supporting)

Literature cited by the submitters: PubMed 16287098 (cited by 3 submitters); PubMed 17876718 (cited by 3 submitters); PubMed 30138938 (cited by Labcorp Genetics (formerly Invitae), Labcorp); PubMed 34387910 (cited by Laboratory of Diagnosis and Therapy of Lysosomal Disorders, University of Padova).

NM_000512.5(GALNS):c.1450C>T (p.Pro484Ser)

Genes: GALNS (galactosamine (N-acetyl)-6-sulfatase; minus strand), LOC126862447 (CDK7 strongly-dependent group 2 enhancer GRCh37_chr16:88884193-88885392; plus strand). Cytogenetic location: 16q24.3.
Variant type: single nucleotide variant.
Coding change: c.1450C>T on transcript NM_000512.5 (MANE Select); coding-DNA position 1450, C replaced by T.
Protein change: p.Pro484Ser; replaces proline 484 with serine.
Molecular consequence: missense variant.
Genome position (GRCh38, 1-based): chr16:88,818,039, G>A on the plus strand (C>T on the coding strand, the complement: GALNS is on the minus strand). VCF-style: chr16-88818039-G-A. GRCh37 (hg19) VCF-style: chr16-88884447-G-A.
Other names: c.895C>T, p.Pro299Ser (NM_001323543.2); c.1468C>T, p.Pro490Ser (NM_001323544.2); short protein forms P299S, P484S, P490S.
Identifiers: ClinVar variation 1048241 (VCV001048241.7), dbSNP rs1204485789, ClinGen allele CA397094209.
Genomic context (GRCh38, chr16:88,818,039, plus strand): 5'-GACGGCCGCCCACACACCAGCCACTTACCATGACCGCCCAGTTGCACACGTTGAGCTGGG[G>A]CTGCGCGGGGACCAAGGCCTCCTGGTGCTGCTGGACGACCGAGGTGATCCTGCTGAGGGC-3'
Protein context (NP_000503.1, residues 474-494): QHQEALVPAQ[Pro484Ser]QLNVCNWAVM